The following is an entry in ClinVar:

ClinVar aggregate classification (germline): Uncertain significance (1 of 4 stars; one submission).

Conditions:
Rafiq syndrome (RAFQS). Identifiers: Orphanet 88616, MedGen C3280127, MONDO:0013624, OMIM 614202.

Submission:

Baylor Genetics
Classification: Uncertain significance for Rafiq syndrome. Last evaluated: 2019-12-26. Review status: criteria provided, single submitter. Criteria: ACMG Guidelines, 2015. Collection method: clinical testing. Allele origin: unknown. Affected: yes.
Comment: This variant was determined to be of uncertain significance according to ACMG Guidelines, 2015 [PMID:25741868].

NM_016219.5(MAN1B1):c.1808G>A (p.Ser603Asn)

Gene: MAN1B1 (mannosidase alpha class 1B member 1; plus strand). Cytogenetic location: 9q34.3.
Variant type: single nucleotide variant.
Coding change: c.1808G>A on transcript NM_016219.5 (MANE Select); coding-DNA position 1808, G replaced by A.
Protein change: p.Ser603Asn; replaces serine 603 with asparagine.
Molecular consequence: missense variant. On other transcripts: non-coding transcript variant (2).
Genome position (GRCh38, 1-based): chr9:137,107,574, G>A. VCF-style: chr9-137107574-G-A. GRCh37 (hg19) VCF-style: chr9-140002026-G-A.
Other names: short protein forms S603N.
Identifiers: ClinVar variation 1028012 (VCV001028012.1), dbSNP rs929390325, ClinGen allele CA375708126.
Genomic context (GRCh38, chr9:137,107,574, plus strand): 5'-CTCTGCTCCGCCCACAGCCAGCAGACAGGCACAACCTGCTGCGGCCAGAGACCGTGGAGA[G>A]CCTGTTCTACCTGTACCGCGTCACAGGGGACCGCAAATACCAGGACTGGGGCTGGGAGAT-3'
Protein context (NP_057303.2, residues 593-613): HNLLRPETVE[Ser603Asn]LFYLYRVTGD